The following is an entry in ClinVar:

ClinVar aggregate classification (germline): Uncertain significance (1 of 4 stars; one submission).

Conditions:
Isolated microphthalmia 5. Also called: Posterior Microphthalmia with Retinitis Pigmentosa, Foveoschisis, and Optic Disc Drusen. Identifiers: Orphanet 251279, MedGen C1970236, MONDO:0012605, OMIM 611040.

Allele frequency attached by ClinVar (database versions not stated): TOPMed 0.00002.
gnomAD v4.1: 10 of 1,593,296 alleles (0.00063%); highest among the groups gnomAD compares: Admixed American, 0.011%; no homozygotes.

Submission:

Labcorp Genetics (formerly Invitae), Labcorp
Classification: Uncertain significance for Isolated microphthalmia 5. Last evaluated: 2023-07-17. Review status: criteria provided, single submitter. Criteria: Invitae Variant Classification Sherloc (09022015). Collection method: clinical testing. Allele origin: germline.
Comment: In summary, the available evidence is currently insufficient to determine the role of this variant in disease. Therefore, it has been classified as a Variant of Uncertain Significance. This sequence change replaces arginine, which is basic and polar, with leucine, which is neutral and non-polar, at codon 57 of the MFRP protein (p.Arg57Leu). The frequency data for this variant in the population databases is considered unreliable, as metrics indicate poor data quality at this position in the gnomAD database. This variant has not been reported in the literature in individuals affected with MFRP-related conditions. ClinVar contains an entry for this variant (Variation ID: 972089). Advanced modeling of protein sequence and biophysical properties (such as structural, functional, and spatial information, amino acid conservation, physicochemical variation, residue mobility, and thermodynamic stability) has been performed at Invitae for this missense variant, however the output from this modeling did not meet the statistical confidence thresholds required to predict the impact of this variant on MFRP protein function. Algorithms developed to predict the effect of sequence changes on RNA splicing suggest that this variant may create or strengthen a splice site.

NM_031433.4(MFRP):c.170G>T (p.Arg57Leu)

Genes: C1QTNF5 (C1q and TNF related 5; minus strand), MFRP (membrane frizzled-related protein; minus strand). Cytogenetic location: 11q23.3.
Variant type: single nucleotide variant.
Coding change: c.170G>T on transcript NM_031433.4 (MANE Select); coding-DNA position 170, G replaced by T.
Protein change: p.Arg57Leu; replaces arginine 57 with leucine.
Molecular consequence: missense variant. On other transcripts: 5 prime UTR variant (1).
Genome position (GRCh38, 1-based): chr11:119,346,147, C>A on the plus strand (G>T on the coding strand, the complement: MFRP is on the minus strand). VCF-style: chr11-119346147-C-A. GRCh37 (hg19) VCF-style: chr11-119216857-C-A.
Other names: c.-2467G>T (NM_015645.5); short protein forms R57L.
Identifiers: ClinVar variation 972089 (VCV000972089.10), dbSNP rs746764269, ClinGen allele CA6320675.